The following is an entry in ClinVar:

NM_017852.5(NLRP2):c.1664A>G (p.Tyr555Cys)

Gene: NLRP2 (NLR family pyrin domain containing 2; plus strand). Cytogenetic location: 19q13.42.
Variant type: single nucleotide variant.
Coding change: c.1664A>G on transcript NM_017852.5 (MANE Select); coding-DNA position 1664, A replaced by G.
Protein change: p.Tyr555Cys; replaces tyrosine 555 with cysteine.
Molecular consequence: missense variant. On other transcripts: non-coding transcript variant (1).
Genome position (GRCh38, 1-based): chr19:54,983,362, A>G. VCF-style: chr19-54983362-A-G. GRCh37 (hg19) VCF-style: chr19-55494730-A-G.
Other names: c.1664A>G (NM_017852.3); c.1664A>G, p.Tyr555Cys (NM_001174081.3); c.1598A>G, p.Tyr533Cys (NM_001174082.3); c.1595A>G, p.Tyr532Cys (NM_001174083.2); c.1655A>G, p.Tyr552Cys (NM_001348003.2); short protein forms Y532C, Y533C, Y552C, Y555C.
Identifiers: ClinVar variation 3037088 (VCV003037088.3), dbSNP rs139117160, ClinGen allele CA310105286.

ClinVar aggregate classification (germline): Uncertain significance. Review status: criteria provided, single submitter (1 of 4 stars). 2 submissions from 2 submitters: Uncertain significance (1). 1 of the submissions does not count toward it. Last evaluated 2025-11-25.

Conditions:
NLRP2-related disorder. Also called: NLRP2-related condition.

Allele frequency attached by ClinVar (database versions not stated): 1000 Genomes Project 0.00080; gnomAD 0.00056; ExAC 0.00016; 1000 Genomes Project 30x 0.00062; TOPMed 0.00063; ESP Exome Variant Server 0.00069; gnomAD exomes 0.00006.
gnomAD v4.1: 169 of 1,614,220 alleles (0.01%); highest among the groups gnomAD compares: African/African-American, 0.18%; 2 homozygotes.

Submissions (2):

Ambry Genetics
Classification: Uncertain significance. Last evaluated: 2025-11-25. Review status: criteria provided, single submitter. Criteria: Ambry Variant Classification Scheme 2023. Collection method: clinical testing. Allele origin: germline.

PreventionGenetics, part of Exact Sciences
Classification: Likely benign for NLRP2-related condition. Last evaluated: 2020-08-28. Review status: no assertion criteria provided. Collection method: clinical testing. Allele origin: germline. Not counted in ClinVar's aggregate classification.
Comment: This variant is classified as likely benign based on ACMG/AMP sequence variant interpretation guidelines (Richards et al. 2015 PMID: 25741868, with internal and published modifications).